The following is an entry in ClinVar:

NM_032119.4(ADGRV1):c.10750del (p.His3584fs)

Gene: ADGRV1 (adhesion G protein-coupled receptor V1; plus strand). Cytogenetic location: 5q14.3.
Variant type: Deletion.
Coding change: c.10750del on transcript NM_032119.4 (MANE Select); coding-DNA position 10750, one base deleted (C; older notation c.10750delC).
Protein change: p.His3584fs; shifts the reading frame from histidine 3584.
Molecular consequence: frameshift variant. On other transcripts: non-coding transcript variant (1).
Genome position (GRCh38, 1-based): chr5:90,745,246, C deleted; the last of 2 consecutive C bases (chr5:90,745,245-90,745,246); deleting either gives the same sequence. VCF-style (leftmost placement, unchanged base first): chr5-90745244-GC-G. GRCh37 (hg19) VCF-style: chr5-90041061-GC-G.
Other names: short protein forms H3584fs.
Identifiers: ClinVar variation 2695451 (VCV002695451.3), dbSNP rs2531540473, ClinGen allele CA2674569976.

ClinVar aggregate classification (germline): Pathogenic (1 of 4 stars; one submission).

Submission:

Labcorp Genetics (formerly Invitae), Labcorp
Classification: Pathogenic. Last evaluated: 2024-01-14. Review status: criteria provided, single submitter. Criteria: Invitae Variant Classification Sherloc (09022015). Collection method: clinical testing. Allele origin: germline.
Comment: This sequence change creates a premature translational stop signal (p.His3584Ilefs*11) in the ADGRV1 gene. It is expected to result in an absent or disrupted protein product. Loss-of-function variants in ADGRV1 are known to be pathogenic (PMID: 19357117, 22135276, 22147658, 26226137, 30718709, 31047384, 32467589). This variant is not present in population databases (gnomAD no frequency). This variant has not been reported in the literature in individuals affected with ADGRV1-related conditions. For these reasons, this variant has been classified as Pathogenic.

Literature cited by the submitters: PubMed 19357117; PubMed 22135276; PubMed 22147658; PubMed 26226137; PubMed 30718709; PubMed 31047384; PubMed 32467589.